The following is an entry in ClinVar:

ClinVar aggregate classification (germline): Uncertain significance (1 of 4 stars; one submission).

Conditions:
Hereditary cancer-predisposing syndrome. Also called: Hereditary Cancer Syndrome; Hereditary neoplastic syndrome; Neoplastic Syndromes, Hereditary; Tumor predisposition. Identifiers: Orphanet 140162, MedGen C0027672, MeSH D009386, MONDO:0015356.

Submission:

Ambry Genetics
Classification: Uncertain significance for Hereditary cancer-predisposing syndrome. Last evaluated: 2026-08-24. Review status: criteria provided, single submitter. Criteria: Ambry Variant Classification Scheme 2023. Collection method: clinical testing. Allele origin: germline.
Comment: The p.L743W variant (also known as c.2228T>G), located in coding exon 4 of the MSH6 gene, results from a T to G substitution at nucleotide position 2228. The leucine at codon 743 is replaced by tryptophan, an amino acid with similar properties. Based on internal structural analysis using published crystal structures, this alteration is more disruptive to the protein structure near the ATP-binding site than nearby pathogenic variants (Warren JJ et al. Mol. Cell, 2007 May;26:579-92; Ambry internal data). This amino acid position is highly conserved in available vertebrate species. In addition, this alteration is predicted to be deleterious by in silico analysis. Based on the available evidence, the clinical significance of this variant remains unclear.

Literature cited by the submitters: PubMed 17531815.

NM_000179.3(MSH6):c.2228T>G (p.Leu743Trp)

Gene: MSH6 (mutS homolog 6; plus strand). Cytogenetic location: 2p16.3.
Variant type: single nucleotide variant.
Coding change: c.2228T>G on transcript NM_000179.3 (MANE Select); coding-DNA position 2228, T replaced by G.
Protein change: p.Leu743Trp; replaces leucine 743 with tryptophan.
Molecular consequence: missense variant.
Genome position (GRCh38, 1-based): chr2:47,800,211, T>G. VCF-style: chr2-47800211-T-G. GRCh37 (hg19) VCF-style: chr2-48027350-T-G.
Other names: c.1838T>G, p.Leu613Trp (NM_001281492.2); c.1322T>G, p.Leu441Trp (NM_001281493.2, NM_001281494.2, NM_001406823.1 and 6 more transcripts); c.2324T>G, p.Leu775Trp (NM_001406795.1, NM_001406802.1); c.2228T>G, p.Leu743Trp (NM_001406796.1, NM_001406798.1, NM_001406800.1 and 3 more transcripts); c.1931T>G, p.Leu644Trp (NM_001406797.1, NM_001406801.1, NM_001406805.1 and 10 more transcripts); c.1703T>G, p.Leu568Trp (NM_001406799.1, NM_001406806.1, NM_001406807.1); c.2150T>G, p.Leu717Trp (NM_001406804.1); c.2060T>G, p.Leu687Trp (NM_001406826.1); and 1 more; short protein forms L644W, L687W, L745W, L775W, L568W, L743W, L613W, L441W.
Identifiers: ClinVar variation 1788028 (VCV001788028.3), dbSNP rs2530658995, ClinGen allele CA346752486.